The following is an entry in ClinVar:

ClinVar aggregate classification (germline): Pathogenic. Review status: criteria provided, multiple submitters, no conflicts (2 of 4 stars). 4 submissions from 3 submitters: Pathogenic (3). 1 of the submissions does not count toward it. Last evaluated 2025-04-20.

Conditions:
Autosomal recessive limb-girdle muscular dystrophy type 2E (LGMDR4). Also called: MUSCULAR DYSTROPHY, LIMB-GIRDLE, AUTOSOMAL RECESSIVE 4. Identifiers: Orphanet 119, MedGen C1858593, MONDO:0011423, OMIM 604286. Disease mechanism: Affects gamma-sarcoglycan and also disrupts the integrity of the entire sarcoglycan complex..

Submissions (4):

Labcorp Genetics (formerly Invitae), Labcorp
Classification: Pathogenic for Autosomal recessive limb-girdle muscular dystrophy type 2E. Last evaluated: 2025-04-20. Review status: criteria provided, single submitter. Criteria: Invitae Variant Classification Sherloc (09022015). Collection method: clinical testing. Allele origin: germline.
Comment: This sequence change affects an acceptor splice site in intron 4 of the SGCB gene. It is expected to disrupt RNA splicing. Variants that disrupt the donor or acceptor splice site typically lead to a loss of protein function (PMID: 16199547), and loss-of-function variants in SGCB are known to be pathogenic (PMID: 15938573, 18285821). This variant is not present in population databases (gnomAD no frequency). Disruption of this splice site has been observed in individual(s) with SGCB-related conditions (PMID: 31937337). ClinVar contains an entry for this variant (Variation ID: 1301699). Algorithms developed to predict the effect of sequence changes on RNA splicing suggest that this variant may disrupt the consensus splice site. For these reasons, this variant has been classified as Pathogenic.

Baylor Genetics
Classification: Pathogenic for Autosomal recessive limb-girdle muscular dystrophy type 2E. Last evaluated: 2023-11-04. Review status: criteria provided, single submitter. Criteria: ACMG Guidelines, 2015. Collection method: clinical testing. Allele origin: unknown.

Dubai Health Genomic Medicine Center, Dubai Health
Classification: Pathogenic. Last evaluated: 2022-12-17. Review status: criteria provided, single submitter. Criteria: ACMG Guidelines, 2015. Collection method: clinical testing. Allele origin: germline. Affected: yes.

Dubai Health Genomic Medicine Center, Dubai Health
Classification: Pathogenic for Autosomal recessive limb-girdle muscular dystrophy type 2E. Last evaluated: 2019-12-29. Review status: flagged submission. Criteria: ACMG Guidelines, 2015. Collection method: clinical testing. Allele origin: germline. Affected: yes. Not counted in ClinVar's aggregate classification.
Comment: The 622-11G>c variant in SGCB has not been previously reported in individuals with disease and is absent from large population studies such as the Genome Aggregation Database (gnomAD) and the Greater Middle East (GME) Variome database. This variant occurs in the invariant region (+/- 1/2) of the splice consensus sequence and is predicted to cause altered splicing leading to an abnormal or absent protein. In summary this variant meets our criteria to be classified as pathogenic.
ClinVar note: Reason: This record appears to be redundant with a more recent record from the same submitter.
ClinVar note: Notes: SCV001984389 appears to be redundant with SCV002818204.

Literature cited by the submitters: PubMed 16199547 (cited by Labcorp Genetics (formerly Invitae), Labcorp); PubMed 15938573 (cited by Labcorp Genetics (formerly Invitae), Labcorp); PubMed 18285821 (cited by Labcorp Genetics (formerly Invitae), Labcorp); PubMed 31937337 (cited by Labcorp Genetics (formerly Invitae), Labcorp).

NM_000232.5(SGCB):c.622-1G>C

Gene: SGCB (sarcoglycan beta; minus strand). Cytogenetic location: 4q12.
Variant type: single nucleotide variant.
Coding change: c.622-1G>C on transcript NM_000232.5 (MANE Select); the canonical splice acceptor site of the intron before coding-DNA position 622, G replaced by C.
Molecular consequence: splice acceptor variant.
Genome position (GRCh38, 1-based): chr4:52,028,100, C>G on the plus strand (G>C on the coding strand, the complement: SGCB is on the minus strand). VCF-style: chr4-52028100-C-G. GRCh37 (hg19) VCF-style: chr4-52894266-C-G.
Identifiers: ClinVar variation 1301699 (VCV001301699.5), dbSNP rs2109370093, ClinGen allele CA356876337.